The following is an entry in ClinVar:

NM_003640.5(ELP1):c.2450del (p.Asp817fs)

Gene: ELP1 (elongator acetyltransferase complex subunit 1; minus strand). Cytogenetic location: 9q31.3.
Variant type: Deletion.
Coding change: c.2450del on transcript NM_003640.5 (MANE Select); coding-DNA position 2450, one base deleted (A; older notation c.2450delA).
Protein change: p.Asp817fs; shifts the reading frame from aspartic acid 817.
Molecular consequence: frameshift variant.
Genome position (GRCh38, 1-based): chr9:108,897,199, T deleted on the plus strand (A on the coding strand, the reverse complement: ELP1 is on the minus strand). VCF-style (leftmost placement, unchanged base first): chr9-108897198-GT-G. GRCh37 (hg19) VCF-style: chr9-111659478-GT-G.
Other names: c.2108del, p.Asp703fs (NM_001318360.2); c.1403del, p.Asp468fs (NM_001330749.2); short protein forms D817fs, D468fs, D703fs.
Identifiers: ClinVar variation 2827150 (VCV002827150.3), dbSNP rs2537891174, ClinGen allele CA2739264946.

ClinVar aggregate classification (germline): Pathogenic (1 of 4 stars; one submission).

Submission:

Labcorp Genetics (formerly Invitae), Labcorp
Classification: Pathogenic. Last evaluated: 2023-01-14. Review status: criteria provided, single submitter. Criteria: Invitae Variant Classification Sherloc (09022015). Collection method: clinical testing. Allele origin: germline.
Comment: For these reasons, this variant has been classified as Pathogenic. Algorithms developed to predict the effect of sequence changes on RNA splicing suggest that this variant may disrupt the consensus splice site. This variant has not been reported in the literature in individuals affected with ELP1-related conditions. This variant is not present in population databases (gnomAD no frequency). This sequence change creates a premature translational stop signal (p.Asp817Alafs*7) in the ELP1 gene. It is expected to result in an absent or disrupted protein product. Loss-of-function variants in ELP1 are known to be pathogenic (PMID: 18303054, 24173031).

Literature cited by the submitters: PubMed 18303054; PubMed 24173031.